The following is an entry in ClinVar:

NM_005654.6(NR2F1):c.597dup (p.Thr200fs)

Gene: NR2F1 (nuclear receptor subfamily 2 group F member 1; plus strand). Cytogenetic location: 5q15.
Variant type: Duplication.
Coding change: c.597dup on transcript NM_005654.6 (MANE Select); coding-DNA position 597, one base duplicated (C; older notation c.597dupC).
Protein change: p.Thr200fs; shifts the reading frame from threonine 200.
Molecular consequence: frameshift variant.
Genome position (GRCh38, 1-based): chr5:93,588,050, C duplicated; the last of 4 consecutive C bases (chr5:93,588,047-93,588,050); duplicating any one gives the same sequence. VCF-style (leftmost placement, unchanged base first): chr5-93588046-A-AC. GRCh37 (hg19) VCF-style: chr5-92923752-A-AC.
Other names: short protein forms T200fs.
Identifiers: ClinVar variation 1451360 (VCV001451360.6), dbSNP rs2149942993, ClinGen allele CA2573140115.

ClinVar aggregate classification (germline): Pathogenic (1 of 4 stars; one submission).

Submission:

Labcorp Genetics (formerly Invitae), Labcorp
Classification: Pathogenic. Last evaluated: 2021-11-16. Review status: criteria provided, single submitter. Criteria: Invitae Variant Classification Sherloc (09022015). Collection method: clinical testing. Allele origin: germline.
Comment: For these reasons, this variant has been classified as Pathogenic. This variant disrupts a region of the NR2F1 protein in which other variant(s) (p.Glu318Gly) have been determined to be pathogenic (Invitae). This suggests that this is a clinically significant region of the protein, and that variants that disrupt it are likely to be disease-causing. This variant has not been reported in the literature in individuals affected with NR2F1-related conditions. This variant is not present in population databases (gnomAD no frequency). This sequence change creates a premature translational stop signal (p.Thr200Hisfs*197) in the NR2F1 gene. While this is not anticipated to result in nonsense mediated decay, it is expected to disrupt the last 224 amino acid(s) of the NR2F1 protein.